The following is an entry in ClinVar:

NM_020207.7(ERCC6L2):c.3585T>G (p.Ile1195Met)

Gene: ERCC6L2 (ERCC excision repair 6 like 2; plus strand). Cytogenetic location: 9q22.32.
Variant type: single nucleotide variant.
Coding change: c.3585T>G on transcript NM_020207.7 (MANE Select); coding-DNA position 3585, T replaced by G.
Protein change: p.Ile1195Met; replaces isoleucine 1195 with methionine.
Molecular consequence: missense variant. On other transcripts: non-coding transcript variant (1).
Genome position (GRCh38, 1-based): chr9:96,004,612, T>G. VCF-style: chr9-96004612-T-G. GRCh37 (hg19) VCF-style: chr9-98766894-T-G.
Other names: c.3585T>G, p.Ile1195Met (NM_001375291.1, NM_001375292.1); short protein forms I1195M.
Identifiers: ClinVar variation 1935625 (VCV001935625.5), dbSNP rs777543357, ClinGen allele CA5139954.

ClinVar aggregate classification (germline): Uncertain significance (1 of 4 stars; one submission).

Allele frequency attached by ClinVar (database versions not stated): TOPMed below 0.00001; ExAC 0.00004.
gnomAD v4.1: 4 of 1,319,178 alleles (0.0003%); highest among the groups gnomAD compares: Non-Finnish European, 0.0003%; no homozygotes.

Submission:

Labcorp Genetics (formerly Invitae), Labcorp
Classification: Uncertain significance. Last evaluated: 2025-08-07. Review status: criteria provided, single submitter. Criteria: Invitae Variant Classification Sherloc (09022015). Collection method: clinical testing. Allele origin: germline.
Comment: This sequence change replaces isoleucine, which is neutral and non-polar, with methionine, which is neutral and non-polar, at codon 1206 of the ERCC6L2 protein (p.Ile1206Met). This variant is present in population databases (rs777543357, gnomAD 0.001%). This variant has not been reported in the literature in individuals affected with ERCC6L2-related conditions. ClinVar contains an entry for this variant (Variation ID: 1935625). Experimental studies and prediction algorithms are not available or were not evaluated, and the functional significance of this variant is currently unknown. In summary, the available evidence is currently insufficient to determine the role of this variant in disease. Therefore, it has been classified as a Variant of Uncertain Significance.